The following is an entry in ClinVar:

ClinVar aggregate classification (germline): Likely pathogenic. Review status: criteria provided, multiple submitters, no conflicts (2 of 4 stars). 3 submissions from 3 submitters: Likely pathogenic (2). 1 of the submissions does not count toward it. Last evaluated 2024-08-26.

Conditions:
Thrombophilia due to thrombin defect (THPH1). Also called: Prothrombin Thrombophilia; THROMBOPHILIA DUE TO FACTOR 2 DEFECT; Prothrombin-Related Thrombophilia (Factor II); Thrombosis susceptibility. Identifiers: MedGen C3160733, MONDO:0008559, OMIM 188050. Disease mechanism: gain of function, loss of function.
Congenital prothrombin deficiency. Also called: Factor II deficiency; Inherited hypoprothrombinemia; Congenital factor II deficiency; Inherited prothrombin deficiency; HYPOPROTHROMBINEMIA; Hereditary factor II deficiency disease. Identifiers: Orphanet 325, MedGen C0272317, MONDO:0013361, OMIM 613679.
Pregnancy loss, recurrent, susceptibility to, 2 (RPRGL2). Identifiers: MedGen C3280672, MONDO:0013728, OMIM 614390.
Ischemic stroke. Also called: CEREBROVASCULAR ACCIDENT; Ischemic stroke, susceptibility to. Identifiers: MedGen C0948008, MONDO:1060198, OMIM 601367, HP:0002140.

gnomAD v4.1: 1 of 1,610,370 alleles (0.000062%); highest among the groups gnomAD compares: Non-Finnish European, 0.000085%; no homozygotes.

Submissions (3):

Women's Health and Genetics/Laboratory Corporation of America, LabCorp
Classification: Likely pathogenic for Congenital prothrombin deficiency. Last evaluated: 2024-08-26. Review status: criteria provided, single submitter. Criteria: LabCorp Variant Classification Summary - May 2015. Collection method: clinical testing. Allele origin: germline.
Comment: Variant summary: F2 c.1273C>T (p.Arg425Cys) results in a non-conservative amino acid change located in the Serine proteases, trypsin domain (IPR001254) of the encoded protein sequence. Four of five in-silico tools predict a damaging effect of the variant on protein function. The variant was absent in 243496 control chromosomes. c.1273C>T has been reported in the literature as compound heterozygous genotype in an individual affected with Hypoprothrombinemia and Dysprothrombinemia and as heterozygous genotype in three individuals affected with Hypoprothrombinemia in a single family (O'Marcaigh_1996). These data indicate that the variant is very likely to be associated with disease. At least one publication reports experimental evidence evaluating an impact on protein function. The most pronounced variant effect results in almost total loss of normal activity using purified protein from affected individuals (O'Marcaigh_1996). ClinVar contains an entry for this variant (Variation ID: 13305). Based on the evidence outlined above, the variant was classified as likely pathogenic.

Juno Genomics, Hangzhou Juno Genomics, Inc
Classification: Likely pathogenic for Thrombophilia due to thrombin defect; Pregnancy loss, recurrent, susceptibility to, 2; Ischemic stroke; Congenital prothrombin deficiency. Review status: criteria provided, single submitter. Criteria: ACMG Guidelines, 2015. Collection method: clinical testing. Allele origin: germline.
Comment: Absent from controls (or at extremely low frequency if recessive) in Genome Aggregation Database.;Multiple lines of computational evidence support a deleterious effect on the gene or gene product.;For recessive disorders, detected in trans with a pathogenic variant.;Patient's phenotype or family history is highly specific for a disease with a single genetic etiology.

OMIM
Classification: Pathogenic for DYSPROTHROMBINEMIA. Last evaluated: 1992-04-01. Review status: no assertion criteria provided. Collection method: literature only. Allele origin: germline. Not counted in ClinVar's aggregate classification.

Literature cited by the submitters: PubMed 8839854 (cited by Women's Health and Genetics/Laboratory Corporation of America, LabCorp); PubMed 13217497 (cited by OMIM); PubMed 14489469 (cited by OMIM); PubMed 625142 (cited by OMIM); PubMed 3242619 (cited by OMIM); PubMed 2719946 (cited by OMIM); PubMed 1557383 (cited by OMIM).

NM_000506.3(F2):c.1273C>T (p.Arg425Cys)

Gene: F2 (coagulation factor II, thrombin; plus strand). Cytogenetic location: 11p11.2.
Variant type: single nucleotide variant.
Coding change: c.1273C>T on transcript NM_000506.3; coding-DNA position 1273, C replaced by T.
Protein change: p.Arg425Cys; replaces arginine 425 with cysteine.
Molecular consequence: missense variant (on NM_000506.5).
Genome position (GRCh38, 1-based): chr11:46,728,138, C>T. VCF-style: chr11-46728138-C-T. GRCh37 (hg19) VCF-style: chr11-46749688-C-T.
Other names: F2, ARG382CYS; R382C; c.1273C>T, p.Arg425Cys (NM_000506.5); short protein forms R425C.
Identifiers: ClinVar variation 13305 (VCV000013305.5), dbSNP rs121918479, ClinGen allele CA123007.